The following is an entry in ClinVar:

ClinVar aggregate classification (germline): Uncertain significance. Review status: criteria provided, multiple submitters, no conflicts (2 of 4 stars). 2 submissions from 2 submitters: Uncertain significance (2). Last evaluated 2023-01-27.

Conditions:
SYNE1-related disorder. Also called: SYNE1-related disorders; SYNE1-related disease; SYNE1-related condition.
Emery-Dreifuss muscular dystrophy 4, autosomal dominant (EDMD4). Also called: EMERY-DREIFUSS MUSCULAR DYSTROPHY 4 WITH VARIABLE FEATURES. Identifiers: Orphanet 261, MedGen C2751807, MONDO:0013071, OMIM 612998.
Autosomal recessive ataxia, Beauce type. Also called: Spinocerebellar ataxia, autosomal recessive 8; ATAXIA, RECESSIVE, OF BEAUCE; SYNE1-Related Autosomal Recessive Cerebellar Ataxia; SYNE1 Deficiency. Identifiers: Orphanet 88644, MedGen C1853116, MONDO:0012549, OMIM 610743.

Allele frequency attached by ClinVar (database versions not stated): gnomAD 0.00002; gnomAD exomes 0.00002; TOPMed 0.00002.
gnomAD v4.1: 24 of 1,612,074 alleles (0.0015%); highest among the groups gnomAD compares: Admixed American, 0.0033%; no homozygotes.

Submissions (2):

PreventionGenetics, part of Exact Sciences
Classification: Uncertain significance for SYNE1-related condition. Last evaluated: 2023-01-27. Review status: criteria provided, single submitter. Criteria: ACMG Guidelines, 2015. Collection method: clinical testing. Allele origin: germline.
Comment: The SYNE1 c.12596G>A variant is predicted to result in the amino acid substitution p.Ser4199Asn. To our knowledge, this variant has not been reported in the literature or in a large population database, indicating this variant is rare. At this time, the clinical significance of this variant is uncertain due to the absence of conclusive functional and genetic evidence.

Labcorp Genetics (formerly Invitae), Labcorp
Classification: Uncertain significance for Emery-Dreifuss muscular dystrophy 4, autosomal dominant; Autosomal recessive ataxia, Beauce type. Last evaluated: 2022-01-21. Review status: criteria provided, single submitter. Criteria: Invitae Variant Classification Sherloc (09022015). Collection method: clinical testing. Allele origin: germline.
Comment: In summary, the available evidence is currently insufficient to determine the role of this variant in disease. Therefore, it has been classified as a Variant of Uncertain Significance. Algorithms developed to predict the effect of missense changes on protein structure and function (SIFT, PolyPhen-2, Align-GVGD) all suggest that this variant is likely to be disruptive. This variant has not been reported in the literature in individuals affected with SYNE1-related conditions. This variant is not present in population databases (gnomAD no frequency). This sequence change replaces serine, which is neutral and polar, with asparagine, which is neutral and polar, at codon 4199 of the SYNE1 protein (p.Ser4199Asn).

NM_182961.4(SYNE1):c.12809G>A (p.Ser4270Asn)

Gene: SYNE1 (spectrin repeat containing nuclear envelope protein 1; minus strand). Cytogenetic location: 6q25.2.
Variant type: single nucleotide variant.
Coding change: c.12809G>A on transcript NM_182961.4 (MANE Select); coding-DNA position 12809, G replaced by A.
Protein change: p.Ser4270Asn; replaces serine 4270 with asparagine.
Molecular consequence: missense variant.
Genome position (GRCh38, 1-based): chr6:152,331,876, C>T on the plus strand (G>A on the coding strand, the complement: SYNE1 is on the minus strand). VCF-style: chr6-152331876-C-T. GRCh37 (hg19) VCF-style: chr6-152653011-C-T.
Other names: c.12596G>A, p.Ser4199Asn (NM_033071.5); short protein forms S4270N, S4199N.
Identifiers: ClinVar variation 2195109 (VCV002195109.5), dbSNP rs2096254253, ClinGen allele CA366105058.